The following is an entry in ClinVar:

NM_007294.4(BRCA1):c.3361A>C (p.Asn1121His)

Genes: BRCA1 (BRCA1 DNA repair associated; minus strand), LOC126862571 (BRD4-independent group 4 enhancer GRCh37_chr17:41243136-41244335; plus strand). Cytogenetic location: 17q21.31.
Variant type: single nucleotide variant.
Coding change: c.3361A>C on transcript NM_007294.4 (MANE Select); coding-DNA position 3361, A replaced by C.
Protein change: p.Asn1121His; replaces asparagine 1121 with histidine.
Molecular consequence: missense variant. On other transcripts: intron variant (137).
Genome position (GRCh38, 1-based): chr17:43,092,170, T>G on the plus strand (A>C on the coding strand, the complement: BRCA1 is on the minus strand). VCF-style: chr17-43092170-T-G. GRCh37 (hg19) VCF-style: chr17-41244187-T-G.
Other names: c.3028A>C, p.Asn1010His (NM_001407953.1, NM_001407957.1, NM_001407946.1 and 6 more transcripts); c.3025A>C, p.Asn1009His (NM_001407954.1, NM_001407955.1, NM_001407956.1 and 1 more transcripts); c.3148A>C, p.Asn1050His (NM_001407571.1, NM_001407853.1, NM_001407894.1 and 9 more transcripts); c.3361A>C, p.Asn1121His (NM_001407581.1, NM_001407582.1, NM_001407583.1 and 30 more transcripts); c.2980A>C, p.Asn994His (NM_001407959.1, NM_001407960.1, NM_001407963.1); c.3358A>C, p.Asn1120His (NM_001407587.1, NM_001407590.1, NM_001407591.1 and 22 more transcripts); c.2977A>C, p.Asn993His (NM_001407962.1); c.3217A>C, p.Asn1073His (NM_001407964.1, NM_001407740.1, NM_001407741.1 and 20 more transcripts); and 41 more; short protein forms N1121H, N1074H, N1053H, N1094H, N1118H, N1051H, N1073H, N1080H.
Identifiers: ClinVar variation 233620 (VCV000233620.10), dbSNP rs876660526, ClinGen allele CA10580564.

ClinVar aggregate classification (germline): Conflicting classifications of pathogenicity. Review status: criteria provided, conflicting classifications (1 of 4 stars). 3 submissions from 3 submitters: Uncertain significance (2); Likely benign (1). Last evaluated 2024-03-27.

Conditions:
Hereditary cancer-predisposing syndrome. Also called: Neoplastic Syndromes, Hereditary; Tumor predisposition; Hereditary Cancer Syndrome; Hereditary neoplastic syndrome. Identifiers: Orphanet 140162, MedGen C0027672, MeSH D009386, MONDO:0015356.
Hereditary breast ovarian cancer syndrome. Also called: Hereditary breast and ovarian cancer syndrome; BRCA1- and BRCA2-Associated Hereditary Breast and Ovarian Cancer; Breast and ovarian cancer; Hereditary breast and/or ovarian cancer syndrome; Hereditary breast and ovarian cancer; Hereditary breast and ovarian cancer syndrome (HBOC). Identifiers: Orphanet 145, MedGen C0677776, MeSH D061325, MONDO:0003582. Disease mechanism: loss of function.

gnomAD v4.1: 1 of 1,613,390 alleles (0.000062%); highest among the groups gnomAD compares: Non-Finnish European, 0.000085%; no homozygotes.

Submissions (3):

Labcorp Genetics (formerly Invitae), Labcorp
Classification: Uncertain significance for Hereditary breast ovarian cancer syndrome. Last evaluated: 2024-03-27. Review status: criteria provided, single submitter. Criteria: Invitae Variant Classification Sherloc (09022015). Collection method: clinical testing. Allele origin: germline.
Comment: This sequence change replaces asparagine, which is neutral and polar, with histidine, which is basic and polar, at codon 1121 of the BRCA1 protein (p.Asn1121His). This variant is not present in population databases (gnomAD no frequency). This variant has not been reported in the literature in individuals affected with BRCA1-related conditions. ClinVar contains an entry for this variant (Variation ID: 233620). Advanced modeling of protein sequence and biophysical properties (such as structural, functional, and spatial information, amino acid conservation, physicochemical variation, residue mobility, and thermodynamic stability) performed at Invitae indicates that this missense variant is not expected to disrupt BRCA1 protein function with a negative predictive value of 95%. In summary, the available evidence is currently insufficient to determine the role of this variant in disease. Therefore, it has been classified as a Variant of Uncertain Significance.

University of Washington Department of Laboratory Medicine, University of Washington
Classification: Likely benign for Hereditary cancer-predisposing syndrome. Last evaluated: 2023-03-23. Review status: criteria provided, single submitter. Criteria: Dines et al. (Genet Med. 2020). Collection method: curation. Allele origin: germline.
Comment: Missense variant in a coldspot region where missense variants are very unlikely to be pathogenic (PMID:31911673).

BRCA1 coldspot (exon 11 using historical exon numbering). Reclassification based on statistical prior probability

Ambry Genetics
Classification: Uncertain significance for Hereditary cancer-predisposing syndrome. Last evaluated: 2015-08-28. Review status: criteria provided, single submitter. Criteria: Ambry Variant Classification Scheme 2023. Collection method: clinical testing. Allele origin: germline.
Comment: The p.N1121H variant (also known as c.3361A>C and 3480A>C), located in coding exon 9 of the BRCA1 gene, results from an A to C substitution at nucleotide position 3361. The asparagine at codon 1121 is replaced by histidine, an amino acid with some similar properties. This variant was not reported in population based cohorts in the following databases: Database of Single Nucleotide Polymorphisms (dbSNP), NHLBI Exome Sequencing Project (ESP), and 1000 Genomes Project. In the ESP, this variant was not observed in 6503 samples (13006 alleles) with coverage at this position. To date, this alteration has been detected with an allele frequency of approximately 0.001% (greater than 150000 alleles tested) in our clinical cohort. This amino acid position is poorly conserved in available vertebrate species. In addition, this alteration is predicted to be tolerated by in silico analysis. Since supporting evidence is limited at this time, the clinical significance of p.N1121H remains unclear.